The following is an entry in ClinVar:

NM_001122769.3(LCA5):c.1312del (p.Thr438fs)

Gene: LCA5 (lebercilin LCA5; minus strand). Cytogenetic location: 6q14.1.
Variant type: Deletion.
Coding change: c.1312del on transcript NM_001122769.3 (MANE Select); coding-DNA position 1312, one base deleted (A; older notation c.1312delA).
Protein change: p.Thr438fs; shifts the reading frame from threonine 438.
Molecular consequence: frameshift variant.
Genome position (GRCh38, 1-based): chr6:79,487,786, T deleted on the plus strand (A on the coding strand, the reverse complement: LCA5 is on the minus strand); the first of 3 consecutive T bases (chr6:79,487,786-79,487,788); deleting any one gives the same sequence. VCF-style (leftmost placement, unchanged base first): chr6-79487785-GT-G. GRCh37 (hg19) VCF-style: chr6-80197502-GT-G.
Other names: c.1312del, p.Thr438fs (NM_181714.4); short protein forms T438fs.
Identifiers: ClinVar variation 1403675 (VCV001403675.8), dbSNP rs2127666072, ClinGen allele CA2573141248.

ClinVar aggregate classification (germline): Pathogenic (1 of 4 stars; one submission).

Submission:

Labcorp Genetics (formerly Invitae), Labcorp
Classification: Pathogenic. Last evaluated: 2021-01-21. Review status: criteria provided, single submitter. Criteria: Invitae Variant Classification Sherloc (09022015). Collection method: clinical testing. Allele origin: germline.
Comment: This sequence change creates a premature translational stop signal (p.Thr438Leufs*6) in the LCA5 gene. While this is not anticipated to result in nonsense mediated decay, it is expected to disrupt the last 260 amino acid(s) of the LCA5 protein. This variant is not present in population databases (ExAC no frequency). This variant has not been reported in the literature in individuals with LCA5-related conditions. This variant disrupts the C-terminus of the LCA5 protein. Other variant(s) that disrupt this region (p.Lys586*) have been determined to be pathogenic (PMID: 23946133, 27624628). This suggests that variants that disrupt this region of the protein are likely to be causative of disease. For these reasons, this variant has been classified as Pathogenic.

Literature cited by the submitters: PubMed 23946133; PubMed 27624628.